The following is an entry in ClinVar:

NM_005802.5(TOPORS):c.2218A>G (p.Arg740Gly)

Gene: TOPORS (TOP1 binding arginine/serine rich protein, E3 ubiquitin ligase; minus strand). Cytogenetic location: 9p21.1.
Variant type: single nucleotide variant.
Coding change: c.2218A>G on transcript NM_005802.5 (MANE Select); coding-DNA position 2218, A replaced by G.
Protein change: p.Arg740Gly; replaces arginine 740 with glycine.
Molecular consequence: missense variant.
Genome position (GRCh38, 1-based): chr9:32,542,307, T>C on the plus strand (A>G on the coding strand, the complement: TOPORS is on the minus strand). VCF-style: chr9-32542307-T-C. GRCh37 (hg19) VCF-style: chr9-32542305-T-C.
Other names: c.2023A>G, p.Arg675Gly (NM_001195622.2); short protein forms R740G, R675G.
Identifiers: ClinVar variation 943750 (VCV000943750.7), dbSNP rs1400453532, ClinGen allele CA373165352.

ClinVar aggregate classification (germline): Uncertain significance (1 of 4 stars; one submission).

Allele frequency attached by ClinVar (database versions not stated): gnomAD exomes below 0.00001.
gnomAD v4.1: 1 of 1,614,202 alleles (0.000062%); highest among the groups gnomAD compares: East Asian, 0.0022%; no homozygotes.

Submission:

Labcorp Genetics (formerly Invitae), Labcorp
Classification: Uncertain significance. Last evaluated: 2021-11-01. Review status: criteria provided, single submitter. Criteria: Invitae Variant Classification Sherloc (09022015). Collection method: clinical testing. Allele origin: germline.
Comment: In summary, the available evidence is currently insufficient to determine the role of this variant in disease. Therefore, it has been classified as a Variant of Uncertain Significance. Algorithms developed to predict the effect of missense changes on protein structure and function are either unavailable or do not agree on the potential impact of this missense change (SIFT: "Tolerated"; PolyPhen-2: "Not Available"; Align-GVGD: "Class C0"). ClinVar contains an entry for this variant (Variation ID: 943750). This variant has not been reported in the literature in individuals affected with TOPORS-related conditions. This variant is not present in population databases (gnomAD no frequency). This sequence change replaces arginine, which is basic and polar, with glycine, which is neutral and non-polar, at codon 740 of the TOPORS protein (p.Arg740Gly).